The following is an entry in ClinVar:

ClinVar aggregate classification (germline): Pathogenic (1 of 4 stars; one submission).

Conditions:
Nephronophthisis. Also called: Juvenile Nephronophthisis. Identifiers: Orphanet 655, MedGen C0687120, MONDO:0019005, HP:0000090.

Allele frequency attached by ClinVar (database versions not stated): gnomAD exomes below 0.00001; ExAC 0.00001.
gnomAD v4.1: 1 of 1,610,172 alleles (0.000062%); highest among the groups gnomAD compares: Non-Finnish European, 0.000085%; no homozygotes.

Submission:

Labcorp Genetics (formerly Invitae), Labcorp
Classification: Pathogenic for Nephronophthisis. Last evaluated: 2022-03-12. Review status: criteria provided, single submitter. Criteria: Invitae Variant Classification Sherloc (09022015). Collection method: clinical testing. Allele origin: germline.
Comment: For these reasons, this variant has been classified as Pathogenic. This variant has not been reported in the literature in individuals affected with NPHP4-related conditions. This variant is present in population databases (rs771318550, gnomAD 0.0009%). This sequence change creates a premature translational stop signal (p.Gln602*) in the NPHP4 gene. It is expected to result in an absent or disrupted protein product. Loss-of-function variants in NPHP4 are known to be pathogenic (PMID: 12205563, 23559409).

Literature cited by the submitters: PubMed 12205563; PubMed 23559409.

NM_015102.5(NPHP4):c.1804C>T (p.Gln602Ter)

Gene: NPHP4 (nephrocystin 4; minus strand). Cytogenetic location: 1p36.31.
Variant type: single nucleotide variant.
Coding change: c.1804C>T on transcript NM_015102.5 (MANE Select); coding-DNA position 1804, C replaced by T.
Protein change: p.Gln602Ter; replaces glutamine 602 with a stop codon.
Molecular consequence: nonsense. On other transcripts: non-coding transcript variant (1).
Genome position (GRCh38, 1-based): chr1:5,905,443, G>A on the plus strand (C>T on the coding strand, the complement: NPHP4 is on the minus strand). VCF-style: chr1-5905443-G-A. GRCh37 (hg19) VCF-style: chr1-5965503-G-A.
Other names: c.265C>T, p.Gln89Ter (NM_001291593.2); c.268C>T, p.Gln90Ter (NM_001291594.2); short protein forms Q90*, Q89*, Q602*.
Identifiers: ClinVar variation 2110331 (VCV002110331.4), dbSNP rs771318550, ClinGen allele CA554361.